The following is an entry in ClinVar:

NM_001130987.2(DYSF):c.5893C>T (p.Gln1965Ter)

Gene: DYSF (dysferlin; plus strand). Cytogenetic location: 2p13.2.
Variant type: single nucleotide variant.
Coding change: c.5893C>T on transcript NM_001130987.2 (MANE Select); coding-DNA position 5893, C replaced by T.
Protein change: p.Gln1965Ter; replaces glutamine 1965 with a stop codon.
Molecular consequence: nonsense.
Genome position (GRCh38, 1-based): chr2:71,679,065, C>T. VCF-style: chr2-71679065-C-T. GRCh37 (hg19) VCF-style: chr2-71906195-C-T.
Other names: c.5776C>T (NM_003494.3); c.5779C>T, p.Gln1927Ter (NM_001130455.2); c.5734C>T, p.Gln1912Ter (NM_001130976.2); c.5797C>T, p.Gln1933Ter (NM_001130977.2); c.5839C>T, p.Gln1947Ter (NM_001130978.2); c.5869C>T, p.Gln1957Ter (NM_001130979.2); c.5827C>T, p.Gln1943Ter (NM_001130980.2); c.5890C>T, p.Gln1964Ter (NM_001130981.2); and 6 more; short protein forms Q1912*, Q1933*, Q1944*, Q1947*, Q1948*, Q1964*, Q1958*, Q1965*.
Identifiers: ClinVar variation 1459445 (VCV001459445.7), dbSNP rs2152967730, ClinGen allele CA347226225.
Genomic context (GRCh38, chr2:71,679,065, plus strand): 5'-AGGCTGGCAGTGATCGAGAAACCCTTGGCCAAAAACTACCTCTCTGTTGCAGGCTCCCTG[C>T]AGCTCGATCTCAACCGCATGCCCAAGCCAGCCAAGACAGCCAAGAAGTGCTCCTTGGACC-3'

ClinVar aggregate classification (germline): Pathogenic. Review status: criteria provided, multiple submitters, no conflicts (2 of 4 stars). 2 submissions from 2 submitters: Pathogenic (2). Last evaluated 2025-11-10.

Conditions:
Neuromuscular disease caused by qualitative or quantitative defects of dysferlin. Also called: Qualitative or quantitative defects of dysferlin; Dysferlinopathy. Identifiers: Orphanet 207073, MedGen C2931687, MONDO:0016145.
Autosomal recessive limb-girdle muscular dystrophy type 2B (LGMDR2). Also called: Limb-Girdle Muscular Dystrophy Type 2B (LGMD2B); MUSCULAR DYSTROPHY, LIMB-GIRDLE, TYPE 3; Limb-girdle muscular dystrophy, type 2B; MUSCULAR DYSTROPHY, LIMB-GIRDLE, AUTOSOMAL RECESSIVE 2. Identifiers: Orphanet 268, MedGen C1850889, MONDO:0009676, OMIM 253601.

Submissions (2):

Natera, Inc.
Classification: Pathogenic for Limb-girdle muscular dystrophy type 2B. Last evaluated: 2025-11-10. Review status: criteria provided, single submitter. Criteria: Natera Variant Classification Schema (03/2026). Collection method: clinical testing. Allele origin: germline.
Comment: The c.5776C>T variant in DYSF is a nonsense variant predicted to introduce a stop codon at amino acid 1926. This variant is expected to result in nonsense mediated decay, truncation, or a dysfunctional protein product. This variant is rare in the general population with a frequency below the threshold expected for the associated phenotype(s). This variant has been observed in one or more individuals affected with the associated recessive disease, as either homozygous or compound heterozygous with a second variant (PMID: 27602406). Given the available evidence, this variant is classified as Pathogenic.

Labcorp Genetics (formerly Invitae), Labcorp
Classification: Pathogenic for Neuromuscular disease caused by qualitative or quantitative defects of dysferlin. Last evaluated: 2023-10-09. Review status: criteria provided, single submitter. Criteria: Invitae Variant Classification Sherloc (09022015). Collection method: clinical testing. Allele origin: germline.
Comment: This sequence change creates a premature translational stop signal (p.Gln1926*) in the DYSF gene. It is expected to result in an absent or disrupted protein product. Loss-of-function variants in DYSF are known to be pathogenic (PMID: 17698709, 20301480). This variant is not present in population databases (gnomAD no frequency). This premature translational stop signal has been observed in individual(s) with limb girdle muscular dystrophy (PMID: 22297152, 33610434). ClinVar contains an entry for this variant (Variation ID: 1459445). For these reasons, this variant has been classified as Pathogenic.

Literature cited by the submitters: PubMed 27602406 (cited by Natera, Inc.); PubMed 17698709 (cited by Labcorp Genetics (formerly Invitae), Labcorp); PubMed 20301480 (cited by Labcorp Genetics (formerly Invitae), Labcorp); PubMed 22297152 (cited by Labcorp Genetics (formerly Invitae), Labcorp); PubMed 33610434 (cited by Labcorp Genetics (formerly Invitae), Labcorp).